The following is an entry in ClinVar:

NM_002317.7(LOX):c.1035+1G>C

Genes: LOX (lysyl oxidase; minus strand), SRFBP1 (serum response factor binding protein 1; plus strand). Cytogenetic location: 5q23.1.
Variant type: single nucleotide variant.
Coding change: c.1035+1G>C on transcript NM_002317.7 (MANE Select); the canonical splice donor site of the intron after coding-DNA position 1035, G replaced by C.
Molecular consequence: splice donor variant.
Genome position (GRCh38, 1-based): chr5:122,074,012, C>G on the plus strand (G>C on the coding strand, the complement: LOX is on the minus strand). VCF-style: chr5-122074012-C-G. GRCh37 (hg19) VCF-style: chr5-121409707-C-G.
Other names: c.345+1G>C (NM_001178102.2); c.144+1G>C (NM_001317073.1).
Identifiers: ClinVar variation 3642912 (VCV003642912.2).

ClinVar aggregate classification (germline): Pathogenic (1 of 4 stars; one submission).

Submission:

Labcorp Genetics (formerly Invitae), Labcorp
Classification: Pathogenic. Last evaluated: 2024-09-18. Review status: criteria provided, single submitter. Criteria: Invitae Variant Classification Sherloc (09022015). Collection method: clinical testing. Allele origin: germline.
Comment: This sequence change affects a donor splice site in intron 4 of the LOX gene. It is expected to disrupt RNA splicing. Variants that disrupt the donor or acceptor splice site typically lead to a loss of protein function (PMID: 16199547), and loss-of-function variants in LOX are known to be pathogenic (PMID: 12417550, 26838787, 27432961). This variant is not present in population databases (gnomAD no frequency). Disruption of this splice site has been observed in individuals with clinical features of thoracic aortic aneurysm and dissection (internal data). Algorithms developed to predict the effect of sequence changes on RNA splicing suggest that this variant may disrupt the consensus splice site. For these reasons, this variant has been classified as Pathogenic.

Literature cited by the submitters: PubMed 16199547; PubMed 12417550; PubMed 26838787; PubMed 27432961.